The following is an entry in ClinVar:

NM_015506.3(MMACHC):c.328_331del (p.Asn110fs)

Gene: MMACHC (metabolism of cobalamin associated C; plus strand). Cytogenetic location: 1p34.1.
Variant type: Deletion.
Coding change: c.328_331del on transcript NM_015506.3 (MANE Select); coding-DNA positions 328 to 331, 4 bases deleted (AACC; older notation c.328_331delAACC).
Protein change: p.Asn110fs; shifts the reading frame from asparagine 110.
Molecular consequence: frameshift variant.
Genome position (GRCh38, 1-based): chr1:45,508,263-45,508,266, AACC deleted; deleting any 4 consecutive bases within chr1:45,508,261-45,508,266 gives the same sequence; the c. name uses the placement nearest the transcript's 3' end. VCF-style (leftmost placement, unchanged base first): chr1-45508260-CCCAA-C. GRCh37 (hg19) VCF-style: chr1-45973932-CCCAA-C.
Other names: c.157_160del, p.Asn53fs (NM_001330540.2); c.328_331delAACC (NM_015506.3); c.328_331del (NM_015506.2); short protein forms N53fs, N110fs.
Identifiers: ClinVar variation 203835 (VCV000203835.25), dbSNP rs796052000, ClinGen allele CA312742.
Genomic context (GRCh38, chr1:45,508,260, plus strand): 5'-CCACTGTTCCAGAGCCTCCCAGAGCTGCAGATAGAAATCATTGCTGACTACGAGGTGCAC[CCCAA>C]CCGACGCCCCAAGATCCTGGCCCAGACAGCAGCCCATGTAGCTGGGGCTGCTTACTACTA-3'

ClinVar aggregate classification (germline): Pathogenic. Review status: criteria provided, multiple submitters, no conflicts (2 of 4 stars). 10 submissions from 10 submitters: Pathogenic (9). 1 of the submissions does not count toward it. Last evaluated 2026-01-24.

Conditions:
MMACHC-related disorder. Also called: MMACHC-related condition.
Cobalamin C disease. Also called: Methylmalonic aciduria and homocystinuria, Vitamin B12-responsive; Vitamin B12 metabolic defect with combined deficiency of methylmalonyl-CoA mutase and homocysteine:methyltetrahydrofolate methyltransferase; Methylmalonic aciduria with homocystinuria cblC type; Cobalamin-C methylmalonic acidemia and homocystinuria; Methylmalonic acidemia and homocystinuria cblC type; methylmalonic aciduria and homocystinuria type cblC. Identifiers: Orphanet 26, Orphanet 79282, MedGen C1848561, MONDO:0010184, OMIM 277400.

Submissions (10):

Labcorp Genetics (formerly Invitae), Labcorp
Classification: Pathogenic for Cobalamin C disease. Last evaluated: 2026-01-24. Review status: criteria provided, single submitter. Criteria: Invitae Variant Classification Sherloc (09022015). Collection method: clinical testing. Allele origin: germline.
Comment: This sequence change creates a premature translational stop signal (p.Asn110Aspfs*13) in the MMACHC gene. It is expected to result in an absent or disrupted protein product. Loss-of-function variants in MMACHC are known to be pathogenic (PMID: 16311595). This variant is present in population databases (rs777767443, gnomAD 0.04%). This premature translational stop signal has been observed in individuals with methylmalonic aciduria and homocystinuria, cobalamin C (cblC) type (PMID: 16311595, 19370762, 23954310, 24126030). ClinVar contains an entry for this variant (Variation ID: 203835). For these reasons, this variant has been classified as Pathogenic.

Natera, Inc.
Classification: Pathogenic for Methylmalonic aciduria and homocystinuria cblC type. Last evaluated: 2025-11-14. Review status: criteria provided, single submitter. Criteria: Natera Variant Classification Schema (03/2026). Collection method: clinical testing. Allele origin: germline.
Comment: The c.328_331delAACC variant in MMACHC is a frameshift variant predicted to shift the reading frame beginning at codon 110 and leads to a stop codon 13 codons downstream. This variant is expected to result in nonsense mediated decay, truncation, or a dysfunctional protein product. This variant has been observed in one or more individuals affected with the associated recessive disease, as either homozygous or compound heterozygous with a second variant (PMID: 16311595). Given the available evidence, this variant is classified as Pathogenic.

Genomic Medicine Center of Excellence, King Faisal Specialist Hospital and Research Centre
Classification: Pathogenic for Cobalamin C disease. Last evaluated: 2024-12-19. Review status: criteria provided, single submitter. Criteria: ACMG Guidelines, 2015. Collection method: clinical testing. Allele origin: germline.

Genome-Nilou Lab
Classification: Pathogenic for Cobalamin C disease. Last evaluated: 2023-04-11. Review status: criteria provided, single submitter. Criteria: ACMG Guidelines, 2015. Collection method: clinical testing. Allele origin: germline. Affected: no.

Fulgent Genetics
Classification: Pathogenic for Cobalamin C disease. Last evaluated: 2021-12-02. Review status: criteria provided, single submitter. Criteria: ACMG Guidelines, 2015. Collection method: clinical testing. Allele origin: unknown.

Revvity Omics, Revvity
Classification: Pathogenic for Cobalamin C disease. Last evaluated: 2021-02-09. Review status: criteria provided, single submitter. Criteria: ACMG Guidelines, 2015. Collection method: clinical testing. Allele origin: germline.

GeneDx
Classification: Pathogenic. Last evaluated: 2020-08-21. Review status: criteria provided, single submitter. Criteria: GeneDx Variant Classification Process June 2021. Collection method: clinical testing. Allele origin: germline. Affected: yes.
Comment: Frameshift variant predicted to result in protein truncation or nonsense mediated decay in a gene for which loss-of-function is a known mechanism of disease; This variant is associated with the following publications: (PMID: 24126030, 23954310, 16311595, 19370762, 30157807)

Blueprint Genetics
Classification: Pathogenic for MMACHC-related disorders. Last evaluated: 2020-03-25. Review status: criteria provided, single submitter. Criteria: ACMG Guidelines, 2015. Collection method: clinical testing. Allele origin: germline. Affected: yes. Observed: 2 variant alleles.

Women's Health and Genetics/Laboratory Corporation of America, LabCorp
Classification: Pathogenic for Cobalamin C disease. Last evaluated: 2016-04-12. Review status: criteria provided, single submitter. Criteria: LabCorp Variant Classification Summary - May 2015. Collection method: clinical testing. Allele origin: germline.
Comment: Variant summary: The c.328_331delAACC variant results in a premature termination codon, predicted to cause a truncated or absent MMACHC protein, which is a commonly known mechanism for disease. Truncations downstream of this position have also been associated with CBLC phenotype (e.g. p.Arg132X). One in-silico tool predicts damaging outcome for this variant. This variant is not found in approximately120716 control chromosomes from the large and broad populations of ExAC. This variant has been reported in several patients with CBLC. Multiple reputable databases and one clinical lab has classified this variant as pathogenic. Taken together, this variant has been classified as a Disease Variant/Pathogenic.

Counsyl
Classification: Pathogenic for Cobalamin C disease. Last evaluated: 2017-03-16. Review status: no assertion criteria provided. Collection method: clinical testing. Allele origin: unknown. Not counted in ClinVar's aggregate classification.

Literature cited by the submitters: PubMed 16311595 (cited by 3 submitters); PubMed 19370762 (cited by Labcorp Genetics (formerly Invitae), Labcorp and Women's Health and Genetics/Laboratory Corporation of America, LabCorp); PubMed 23954310 (cited by Labcorp Genetics (formerly Invitae), Labcorp); PubMed 24126030 (cited by Labcorp Genetics (formerly Invitae), Labcorp).